The following is an entry in ClinVar:

NM_003072.5(SMARCA4):c.3165C>G (p.Ile1055Met)

Gene: SMARCA4 (SWI/SNF related BAF chromatin remodeling complex subunit ATPase 4; plus strand). Cytogenetic location: 19p13.2.
Variant type: single nucleotide variant.
Coding change: c.3165C>G on transcript NM_003072.5 (MANE Select); coding-DNA position 3165, C replaced by G.
Protein change: p.Ile1055Met; replaces isoleucine 1055 with methionine.
Molecular consequence: missense variant. On other transcripts: non-coding transcript variant (1).
Genome position (GRCh38, 1-based): chr19:11,025,505, C>G. VCF-style: chr19-11025505-C-G. GRCh37 (hg19) VCF-style: chr19-11136181-C-G.
Other names: c.3165C>G (NM_001128849.1); c.3165C>G, p.Ile1055Met (NM_001128844.3, NM_001128845.2, NM_001128846.2 and 6 more transcripts); short protein forms I1055M.
Identifiers: ClinVar variation 1900096 (VCV001900096.6), dbSNP rs774483875, ClinGen allele CA404059325.
Genomic context (GRCh38, chr19:11,025,505, plus strand): 5'-GATGAACACCATCATGCAGCTGCGGAAGATCTGCAACCACCCCTACATGTTCCAGCACAT[C>G]GAGGTGAGCCCGCCGCGGCTGGGACGGCTCAGGCCCTGCTGTCTGCTGAGCTCCTAGGCA-3'
Protein context (NP_003063.2, residues 1045-1065): ICNHPYMFQH[Ile1055Met]EESFSEHLGF

ClinVar aggregate classification (germline): Uncertain significance. Review status: criteria provided, multiple submitters, no conflicts (2 of 4 stars). 2 submissions from 2 submitters: Uncertain significance (2). Last evaluated 2025-06-02.

Conditions:
Hereditary cancer-predisposing syndrome. Also called: Tumor predisposition; Neoplastic Syndromes, Hereditary; Hereditary Cancer Syndrome; Hereditary neoplastic syndrome. Identifiers: Orphanet 140162, MedGen C0027672, MeSH D009386, MONDO:0015356.
Rhabdoid tumor predisposition syndrome 2 (RTPS2). Identifiers: Orphanet 231108, Orphanet 69077, MedGen C2750074, MONDO:0013224, OMIM 613325.

Submissions (2):

Ambry Genetics
Classification: Uncertain significance for Hereditary cancer-predisposing syndrome. Last evaluated: 2025-06-02. Review status: criteria provided, single submitter. Criteria: Ambry Variant Classification Scheme 2023. Collection method: clinical testing. Allele origin: germline.
Comment: The p.I1055M variant (also known as c.3165C>G), located in coding exon 21 of the SMARCA4 gene, results from a C to G substitution at nucleotide position 3165. The isoleucine at codon 1055 is replaced by methionine, an amino acid with highly similar properties. This amino acid position is conserved. In addition, the in silico prediction for this alteration is inconclusive. Based on the available evidence, the clinical significance of this variant remains unclear.

Labcorp Genetics (formerly Invitae), Labcorp
Classification: Uncertain significance for Rhabdoid tumor predisposition syndrome 2. Last evaluated: 2022-01-25. Review status: criteria provided, single submitter. Criteria: Invitae Variant Classification Sherloc (09022015). Collection method: clinical testing. Allele origin: germline.
Comment: In summary, the available evidence is currently insufficient to determine the role of this variant in disease. Therefore, it has been classified as a Variant of Uncertain Significance. This sequence change replaces isoleucine, which is neutral and non-polar, with methionine, which is neutral and non-polar, at codon 1055 of the SMARCA4 protein (p.Ile1055Met). Algorithms developed to predict the effect of missense changes on protein structure and function are either unavailable or do not agree on the potential impact of this missense change (SIFT: "Deleterious"; PolyPhen-2: "Probably Damaging"; Align-GVGD: "Class C0"). This variant has not been reported in the literature in individuals affected with SMARCA4-related conditions. This variant is not present in population databases (gnomAD no frequency).